The following is an entry in ClinVar:

NM_003737.4(DCHS1):c.6143G>A (p.Arg2048His)

Gene: DCHS1 (dachsous cadherin-related 1; minus strand). Cytogenetic location: 11p15.4.
Variant type: single nucleotide variant.
Coding change: c.6143G>A on transcript NM_003737.4 (MANE Select); coding-DNA position 6143, G replaced by A.
Protein change: p.Arg2048His; replaces arginine 2048 with histidine.
Molecular consequence: missense variant.
Genome position (GRCh38, 1-based): chr11:6,626,896, C>T on the plus strand (G>A on the coding strand, the complement: DCHS1 is on the minus strand). VCF-style: chr11-6626896-C-T. GRCh37 (hg19) VCF-style: chr11-6648127-C-T.
Other names: short protein forms R2048H.
Identifiers: ClinVar variation 3716217 (VCV003716217.2).
Genomic context (GRCh38, chr11:6,626,896, plus strand): 5'-AAGCGGGGTCCACGCTCAGCTTCCCCCTGCAGTCCAACAATGATCACACCAGTGGCAGAG[C>T]GAGCTGGACGGCCAAGATCAGTGGCCACAATGAAGAGGACACGATCTCGGGGGCCTAGAG-3'
Protein context (NP_003728.1, residues 2038-2058): IVATDLGRPA[Arg2048His]SATGVIIVGL

ClinVar aggregate classification (germline): Uncertain significance (1 of 4 stars; one submission).

gnomAD v4.1: 40 of 1,613,376 alleles (0.0025%); highest among the groups gnomAD compares: South Asian, 0.0055%; no homozygotes.

Submission:

Labcorp Genetics (formerly Invitae), Labcorp
Classification: Uncertain significance. Last evaluated: 2025-05-04. Review status: criteria provided, single submitter. Criteria: Invitae Variant Classification Sherloc (09022015). Collection method: clinical testing. Allele origin: germline.
Comment: This sequence change replaces arginine, which is basic and polar, with histidine, which is basic and polar, at codon 2048 of the DCHS1 protein (p.Arg2048His). This variant is present in population databases (no rsID available, gnomAD 0.006%). This variant has not been reported in the literature in individuals affected with DCHS1-related conditions. ClinVar contains an entry for this variant (Variation ID: 3716217). Invitae Evidence Modeling of protein sequence and biophysical properties (such as structural, functional, and spatial information, amino acid conservation, physicochemical variation, residue mobility, and thermodynamic stability) indicates that this missense variant is not expected to disrupt DCHS1 protein function with a negative predictive value of 95%. In summary, the available evidence is currently insufficient to determine the role of this variant in disease. Therefore, it has been classified as a Variant of Uncertain Significance.